The following is an entry in ClinVar:

ClinVar aggregate classification (germline): Pathogenic/Likely pathogenic. Review status: criteria provided, multiple submitters, no conflicts (2 of 4 stars). 3 submissions from 3 submitters: Pathogenic (2); Likely pathogenic (1). Last evaluated 2023-06-04.

Conditions:
Hereditary breast ovarian cancer syndrome. Also called: Hereditary breast and ovarian cancer; Breast and ovarian cancer; BRCA1- and BRCA2-Associated Hereditary Breast and Ovarian Cancer; Hereditary breast and/or ovarian cancer syndrome; Hereditary breast and ovarian cancer syndrome; Hereditary breast and ovarian cancer syndrome (HBOC). Identifiers: Orphanet 145, MedGen C0677776, MeSH D061325, MONDO:0003582. Disease mechanism: loss of function.
Hereditary cancer-predisposing syndrome. Also called: Neoplastic Syndromes, Hereditary; Hereditary Cancer Syndrome; Hereditary neoplastic syndrome; Tumor predisposition. Identifiers: Orphanet 140162, MedGen C0027672, MeSH D009386, MONDO:0015356.
Familial cancer of breast. Also called: BREAST CANCER, FAMILIAL; hereditary breast carcinoma; Hereditary breast cancer. Identifiers: Orphanet 227535, MedGen C0346153, MONDO:0016419, OMIM 114480. Disease mechanism: loss of function.

Submissions (3):

Baylor Genetics
Classification: Likely pathogenic for Familial cancer of breast. Last evaluated: 2023-06-04. Review status: criteria provided, single submitter. Criteria: ACMG Guidelines, 2015. Collection method: clinical testing. Allele origin: unknown.

Labcorp Genetics (formerly Invitae), Labcorp
Classification: Pathogenic for Hereditary breast ovarian cancer syndrome. Last evaluated: 2021-06-14. Review status: criteria provided, single submitter. Criteria: Invitae Variant Classification Sherloc (09022015). Collection method: clinical testing. Allele origin: germline.
Comment: For these reasons, this variant has been classified as Pathogenic. This variant has not been reported in the literature in individuals with BRCA2-related conditions. This variant is not present in population databases (ExAC no frequency). This sequence change creates a premature translational stop signal (p.Thr2722Asnfs*8) in the BRCA2 gene. It is expected to result in an absent or disrupted protein product. Loss-of-function variants in BRCA2 are known to be pathogenic (PMID: 20104584).

Ambry Genetics
Classification: Pathogenic for Hereditary cancer-predisposing syndrome. Last evaluated: 2018-05-21. Review status: criteria provided, single submitter. Criteria: Ambry Variant Classification Scheme 2023. Collection method: clinical testing. Allele origin: germline.
Comment: The c.8164dupA pathogenic mutation, located in coding exon 17 of the BRCA2 gene, results from a duplication of A at nucleotide position 8164, causing a translational frameshift with a predicted alternate stop codon (p.T2722Nfs*8). This alteration is expected to result in loss of function by premature protein truncation or nonsense-mediated mRNA decay. As such, this alteration is interpreted as a disease-causing mutation.

Literature cited by the submitters: PubMed 20104584 (cited by Labcorp Genetics (formerly Invitae), Labcorp).

NM_000059.4(BRCA2):c.8164dup (p.Thr2722fs)

Gene: BRCA2 (BRCA2 DNA repair associated; plus strand). Cytogenetic location: 13q13.1.
Variant type: Duplication.
Coding change: c.8164dup on transcript NM_000059.4 (MANE Select); coding-DNA position 8164, one base duplicated (A; older notation c.8164dupA).
Protein change: p.Thr2722fs; shifts the reading frame from threonine 2722.
Molecular consequence: frameshift variant.
Genome position (GRCh38, 1-based): chr13:32,363,366, A duplicated. VCF-style (leftmost placement, unchanged base first): chr13-32363365-T-TA. GRCh37 (hg19) VCF-style: chr13-32937502-T-TA.
Other names: short protein forms T2722fs.
Identifiers: ClinVar variation 1457693 (VCV001457693.9), dbSNP rs2137581286, ClinGen allele CA2573149390.